The following is an entry in ClinVar:

NM_001114753.3(ENG):c.1374A>G (p.Pro458=)

Genes: ENG (endoglin; minus strand), LOC102723566 (uncharacterized LOC102723566; plus strand). Cytogenetic location: 9q34.11.
Variant type: single nucleotide variant.
Coding change: c.1374A>G on transcript NM_001114753.3 (MANE Select); coding-DNA position 1374, A replaced by G.
Protein change: p.Pro458=; no amino-acid change (proline 458 retained).
Molecular consequence: synonymous variant.
Genome position (GRCh38, 1-based): chr9:127,818,770, T>C on the plus strand (A>G on the coding strand, the complement: ENG is on the minus strand). VCF-style: chr9-127818770-T-C. GRCh37 (hg19) VCF-style: chr9-130581049-T-C.
Other names: p.P458P:CCA>CCG; p.Pro458=; c.1374A>G, p.Pro458= (NM_000118.4); c.828A>G, p.Pro276= (NM_001278138.2).
Identifiers: ClinVar variation 213202 (VCV000213202.73), dbSNP rs34828244, ClinGen allele CA320420.

ClinVar aggregate classification (germline): Benign/Likely benign. Review status: criteria provided, multiple submitters, no conflicts (2 of 4 stars). 14 submissions from 14 submitters: Benign (10); Likely benign (1). 3 of the submissions do not count toward it. Last evaluated 2026-10-01.

Conditions:
Cardiovascular phenotype. Identifiers: MedGen CN230736.
Hereditary hemorrhagic telangiectasia (HHT). Also called: ORW DISEASE; Osler Weber Rendu syndrome; OSLER-RENDU-WEBER DISEASE; Osler hemorrhagic telangiectasia syndrome. Identifiers: Orphanet 774, MedGen C0039445, MONDO:0019180. Disease mechanism: loss of function.
Telangiectasia, hereditary hemorrhagic, type 1 (HHT1). Also called: Osler Weber Rendu syndrome type 1; ENG-Related Hereditary Hemorrhagic Telangiectasia. Identifiers: Orphanet 774, MedGen C4551861, MONDO:0008535, OMIM 187300. Disease mechanism: loss of function.

Allele frequency attached by ClinVar (database versions not stated): 1000 Genomes Project 0.00419; 1000 Genomes Project 30x 0.00422; TOPMed 0.00693; ESP Exome Variant Server 0.00769; gnomAD 0.00871 and 0.00879; gnomAD exomes 0.01015 and 0.01058; ExAC 0.01039.
gnomAD v4.1: 16,639 of 1,614,002 alleles (1%); highest among the groups gnomAD compares: Non-Finnish European, 1.1%; 128 homozygotes.

Submissions (14):

CeGaT Center for Human Genetics Tuebingen
Classification: Benign. Last evaluated: 2026-10-01. Review status: criteria provided, single submitter. Criteria: CeGaT Center For Human Genetics Tuebingen Variant Classification Criteria Version 2. Collection method: clinical testing. Allele origin: germline. Affected: yes. Observed: 48 variant alleles.
Comment: ENG: BP4, BP7, BS1, BS2

Labcorp Genetics (formerly Invitae), Labcorp
Classification: Benign for Hereditary hemorrhagic telangiectasia. Last evaluated: 2026-02-03. Review status: criteria provided, single submitter. Criteria: Invitae Variant Classification Sherloc (09022015). Collection method: clinical testing. Allele origin: germline.

ARUP Laboratories, Molecular Genetics and Genomics, ARUP Laboratories
Classification: Benign for Telangiectasia, hereditary hemorrhagic, type 1. Last evaluated: 2025-06-23. Review status: criteria provided, single submitter. Criteria: ARUP Molecular Germline Variant Investigation Process 2024. Collection method: clinical testing. Allele origin: germline.

Blueprint Genetics
Classification: Benign. Last evaluated: 2024-11-27. Review status: criteria provided, single submitter. Criteria: ACMG Guidelines, 2015. Collection method: clinical testing. Allele origin: germline.

Mayo Clinic Laboratories, Mayo Clinic
Classification: Benign. Last evaluated: 2024-01-16. Review status: criteria provided, single submitter. Criteria: ACMG Guidelines, 2015. Collection method: clinical testing. Allele origin: germline. Observed: 11 variant alleles.
Comment: BS1, BS2, BP4, BP7

Women's Health and Genetics/Laboratory Corporation of America, LabCorp
Classification: Benign. Last evaluated: 2021-07-08. Review status: criteria provided, single submitter. Criteria: LabCorp Variant Classification Summary - May 2015. Collection method: clinical testing. Allele origin: germline.

Eurofins Ntd Llc (ga)
Classification: Benign. Last evaluated: 2016-03-22. Review status: criteria provided, single submitter. Criteria: EGL Classification Definitions 2015. Collection method: clinical testing. Allele origin: germline. Observed: 1 variant allele, 1 heterozygote.

Ambry Genetics
Classification: Benign for Cardiovascular phenotype. Last evaluated: 2015-06-08. Review status: criteria provided, single submitter. Criteria: Ambry Variant Classification Scheme 2023. Collection method: clinical testing. Allele origin: germline.

GeneDx
Classification: Benign. Last evaluated: 2015-04-17. Review status: criteria provided, single submitter. Criteria: GeneDx Variant Classification (06012015). Collection method: clinical testing. Allele origin: germline. Affected: yes.
Comment: This variant is considered likely benign or benign based on one or more of the following criteria: it is a conservative change, it occurs at a poorly conserved position in the protein, it is predicted to be benign by multiple in silico algorithms, and/or has population frequency not consistent with disease.

Breakthrough Genomics
Classification: Likely benign. Review status: criteria provided, single submitter. Criteria: ACMG Guidelines, 2015. Collection method: not provided. Allele origin: germline. Inheritance: Autosomal dominant inheritance. Affected: yes.

PreventionGenetics, part of Exact Sciences
Classification: Benign. Review status: criteria provided, single submitter. Criteria: ACMG Guidelines, 2015. Collection method: clinical testing. Allele origin: germline.

Clinical Genetics, Academic Medical Center
Classification: Benign. Review status: no assertion criteria provided. Collection method: clinical testing. Allele origin: germline. Affected: yes. Study: VKGL Data-share Consensus. Not counted in ClinVar's aggregate classification.

Genome Diagnostics Laboratory, Amsterdam University Medical Center
Classification: Benign. Review status: no assertion criteria provided. Collection method: clinical testing. Allele origin: germline. Affected: yes. Study: VKGL Data-share Consensus. Not counted in ClinVar's aggregate classification.

Laboratory of Diagnostic Genome Analysis, Leiden University Medical Center (LUMC)
Classification: Likely benign. Review status: no assertion criteria provided. Collection method: clinical testing. Allele origin: germline. Affected: yes. Study: VKGL Data-share Consensus. Not counted in ClinVar's aggregate classification.